The following is an entry in ClinVar:

ClinVar aggregate classification (germline): Likely benign (1 of 4 stars; one submission).

Conditions:
MAP3K14-related disorder. Also called: MAP3K14-related condition.

Submission:

PreventionGenetics, part of Exact Sciences
Classification: Likely benign for MAP3K14-related condition. Last evaluated: 2019-08-29. Review status: criteria provided, single submitter. Criteria: ACMG Guidelines, 2015. Collection method: clinical testing. Allele origin: germline.
Comment: This variant is classified as likely benign based on ACMG/AMP sequence variant interpretation guidelines (Richards et al. 2015 PMID: 25741868, with internal and published modifications).

NM_003954.5(MAP3K14):c.1008C>T (p.Tyr336=)

Gene: MAP3K14 (mitogen-activated protein kinase kinase kinase 14; minus strand). Cytogenetic location: 17q21.31.
Variant type: single nucleotide variant.
Coding change: c.1008C>T on transcript NM_003954.5 (MANE Select); coding-DNA position 1008, C replaced by T.
Protein change: p.Tyr336=; no amino-acid change (tyrosine 336 retained).
Molecular consequence: synonymous variant.
Genome position (GRCh38, 1-based): chr17:45,286,575, G>A on the plus strand (C>T on the coding strand, the complement: MAP3K14 is on the minus strand). VCF-style: chr17-45286575-G-A. GRCh37 (hg19) VCF-style: chr17-43363942-G-A.
Identifiers: ClinVar variation 3052532 (VCV003052532.1), dbSNP rs2509019273, ClinGen allele CA500639491.